The following is an entry in ClinVar:

NM_000053.4(ATP7B):c.3086C>G (p.Thr1029Ser)

Gene: ATP7B (ATPase copper transporting beta; minus strand). Cytogenetic location: 13q14.3.
Variant type: single nucleotide variant.
Coding change: c.3086C>G on transcript NM_000053.4 (MANE Select); coding-DNA position 3086, C replaced by G.
Protein change: p.Thr1029Ser; replaces threonine 1029 with serine.
Molecular consequence: missense variant. On other transcripts: intron variant (1).
Genome position (GRCh38, 1-based): chr13:51,944,266, G>C on the plus strand (C>G on the coding strand, the complement: ATP7B is on the minus strand). VCF-style: chr13-51944266-G-C. GRCh37 (hg19) VCF-style: chr13-52518402-G-C.
Other names: c.2942C>G, p.Thr981Ser (NM_001406520.1, NM_001406521.1, NM_001406522.1); c.2909C>G, p.Thr970Ser (NM_001406524.1); c.2891C>G, p.Thr964Ser (NM_001406525.1); c.3086C>G, p.Thr1029Ser (NM_001406526.1, NM_001406511.1, NM_001406512.1); c.2852C>G, p.Thr951Ser (NM_001406527.1, NM_001406528.1, NM_001330578.2 and 1 more transcripts); c.2846C>G, p.Thr949Ser (NM_001406530.1); c.2465C>G, p.Thr822Ser (NM_001005918.3); c.2753C>G, p.Thr918Ser (NM_001243182.2); and 19 more; short protein forms T1011S, T1018S, T1027S, T1029S, T599S, T748S, T802S, T813S.
Identifiers: ClinVar variation 4883500 (VCV004883500.2).

ClinVar aggregate classification (germline): Likely pathogenic (1 of 4 stars; one submission).

Submission:

Dasa
Classification: Likely pathogenic. Last evaluated: 2026-04-21. Review status: criteria provided, single submitter. Criteria: DASA Assertion Criteria. Collection method: clinical testing. Allele origin: germline.
Comment: NM_000053.4(ATP7B):c.3086C>G (p.Thr1029Ser) is a missense variant that results in the substitution of threonine with serine. The affected residue or protein region has prior evidence supporting clinical relevance. This variant has been observed in affected individuals with ATP7B-related disorders. Also, this variant is absent from population databases. Computational evidence supports a deleterious effect. Based on the currently available evidence, this variant is classified as likely pathogenic.